The following is an entry in ClinVar:

NM_004006.3(DMD):c.10554-1G>A

Gene: DMD (dystrophin; minus strand). Cytogenetic location: Xp21.2.
Variant type: single nucleotide variant.
Coding change: c.10554-1G>A on transcript NM_004006.3 (MANE Select); the canonical splice acceptor site of the intron before coding-DNA position 10554, G replaced by A.
Molecular consequence: splice acceptor variant.
Genome position (GRCh38, 1-based): chrX:31,147,519, C>T on the plus strand (G>A on the coding strand, the complement: DMD is on the minus strand). VCF-style: chrX-31147519-C-T. GRCh37 (hg19) VCF-style: chrX-31165636-C-T.
Other names: c.10530-1G>A (NM_000109.4); c.6531-1G>A (NM_004011.4); c.6522-1G>A (NM_004012.4); c.2844-1G>A (NM_004023.3, NM_004020.4); c.3135-1G>A (NM_004022.3); c.3174-1G>A (NM_004021.3, NM_004013.3); c.2367-1G>A (NM_004014.3); c.1311-1G>A (NM_004018.3, NM_004017.3); and 3 more.
Identifiers: ClinVar variation 3251959 (VCV003251959.1), dbSNP rs2519446696.
Genomic context (GRCh38, chrX:31,147,519, plus strand): 5'-GGGGACAGGCCTTTATGTTCGTGCTGCTGCTTTAGACGGTCATATTCTGCTTGCAGATTC[C>T]TATTGGCATCAAAAAAGTAAAAAAGAAAAAAAAAGAAAGAAAAAGAAAAAGAAGAAAAAA-3'

ClinVar aggregate classification (germline): Likely pathogenic (1 of 4 stars; one submission).

Conditions:
Duchenne muscular dystrophy (DMD). Also called: MUSCULAR DYSTROPHY, PSEUDOHYPERTROPHIC PROGRESSIVE, DUCHENNE TYPE; Duchenne Muscular Dystrophy (DMD). Identifiers: Orphanet 98896, MedGen C0013264, MONDO:0010679, OMIM 310200.
Becker muscular dystrophy (BMD). Also called: MUSCULAR DYSTROPHY, PSEUDOHYPERTROPHIC PROGRESSIVE, BECKER TYPE; Becker Muscular Dystrophy (BMD). Identifiers: Orphanet 98895, MedGen C0917713, MONDO:0010311, OMIM 300376.

Submission:

Diagnostics Services (NGS), CSIR - Centre For Cellular And Molecular Biology
Classification: Likely pathogenic for Becker muscular dystrophy; Duchenne muscular dystrophy. Last evaluated: 2024-03-11. Review status: criteria provided, single submitter. Criteria: ACMG Guidelines, 2015. Collection method: clinical testing. Allele origin: germline. Affected: yes. Observed: 1 variant allele, 1 hemizygote.
Comment: The c.10554-1G>A variant is not present in publicly available population databases like 1000 Genomes, EVS, ExAC, gnomAD, Indian Exome Database or our in-house exome database. This variant has neither been published in literature with DMD-related conditions nor reported to the clinical databases like ClinVar, Human Gene Mutation Database (HGMD) or OMIM, in any affected individuals. Algorithms developed to predict the effect of sequence changes on RNA splicing suggest that this variant can disrupt the consensus splice site. In-silico pathogenicity prediction programs like MutationTaster2, CADD, Varsome, Franklin etc predicted this variant to be likely deleterious however these predictions were not confirmed by published functional/translational studies.